The following is an entry in ClinVar:

ClinVar aggregate classification (germline): Uncertain significance (1 of 4 stars; one submission).

Allele frequency attached by ClinVar (database versions not stated): gnomAD 0.00001 and 0.00002; TOPMed 0.00004.
gnomAD v4.1: 52 of 1,613,760 alleles (0.0032%); highest among the groups gnomAD compares: Non-Finnish European, 0.0038%; no homozygotes.

Submission:

Labcorp Genetics (formerly Invitae), Labcorp
Classification: Uncertain significance. Last evaluated: 2021-06-15. Review status: criteria provided, single submitter. Criteria: Invitae Variant Classification Sherloc (09022015). Collection method: clinical testing. Allele origin: germline.
Comment: In summary, the available evidence is currently insufficient to determine the role of this variant in disease. Therefore, it has been classified as a Variant of Uncertain Significance. Algorithms developed to predict the effect of missense changes on protein structure and function are either unavailable or do not agree on the potential impact of this missense change (SIFT: "Deleterious"; PolyPhen-2: "Benign"; Align-GVGD: "Class C0"). This variant has not been reported in the literature in individuals with PKP1-related conditions. The frequency data for this variant in the population databases is considered unreliable, as metrics indicate poor data quality at this position in the ExAC database. This sequence change replaces arginine with histidine at codon 464 of the PKP1 protein (p.Arg464His). The arginine residue is highly conserved and there is a small physicochemical difference between arginine and histidine.

NM_001005337.3(PKP1):c.1391G>A (p.Arg464His)

Gene: PKP1 (plakophilin 1; plus strand). Cytogenetic location: 1q32.1.
Variant type: single nucleotide variant.
Coding change: c.1391G>A on transcript NM_001005337.3 (MANE Select); coding-DNA position 1391, G replaced by A.
Protein change: p.Arg464His; replaces arginine 464 with histidine.
Molecular consequence: missense variant.
Genome position (GRCh38, 1-based): chr1:201,322,021, G>A. VCF-style: chr1-201322021-G-A. GRCh37 (hg19) VCF-style: chr1-201291149-G-A.
Other names: c.1454G>A, p.Arg485His (NM_000299.4); short protein forms R464H, R485H.
Identifiers: ClinVar variation 1511228 (VCV001511228.6), dbSNP rs751817941, ClinGen allele CA1324453.
Genomic context (GRCh38, chr1:201,322,021, plus strand): 5'-CTCTCCTTGGTCCCCAGTCTGTGGAAAACTGCATGTGTGTTCTGCACAACCTCTCCTACC[G>A]CCTGGACGCCGAGGTGCCCACCCGCTACCGCCAGCTGGAGTATAACGCCCGCAACGCCTA-3'
Protein context (NP_001005337.1, residues 454-474): CMCVLHNLSY[Arg464His]LDAEVPTRYR